The following is an entry in ClinVar:

ClinVar aggregate classification (germline): Uncertain significance (1 of 4 stars; one submission).

Submission:

Women's Health and Genetics/Laboratory Corporation of America, LabCorp
Classification: Uncertain significance. Last evaluated: 2025-07-07. Review status: criteria provided, single submitter. Criteria: LabCorp Variant Classification Summary - May 2015. Collection method: clinical testing. Allele origin: germline.
Comment: Variant summary: The variant involves the duplication of exon 20 in the ATP6V0A2 gene. A presumed nomenclature of c.(2465+1_2466-1)_(*3724_?)dup has been designated for the purposes of this classification. The exact breakpoint at the 3' end of this variant is unknown, therefore this duplication may extend downstream of the annotated region of the gene. As it duplicates the termination codon, its effect on the encoded protein is unknown. The variant was absent in 21694 control chromosomes. The available data on variant occurrences in the general population are insufficient to allow any conclusion about variant significance. To our knowledge, no occurrence of c.(2465+1_2466-1)_(*3724_?)dup in individuals affected with Cutis Laxa - ATP6V0A2 Related and no experimental evidence demonstrating its impact on protein function have been reported. No submitters have cited clinical-significance assessments for this variant to ClinVar. Based on the evidence outlined above, the variant was classified as uncertain significance.

NC_000012.11:g.(124241534_124242473)_(124246303_?)dup

Gene: ATP6V0A2 (ATPase H+ transporting V0 subunit a2; plus strand). Cytogenetic location: 12q24.31.
Variant type: Duplication.
Identifiers: ClinVar variation 4526123 (VCV004526123.1).